The following is an entry in ClinVar:

ClinVar aggregate classification (germline): Uncertain significance (1 of 4 stars; one submission).

Allele frequency attached by ClinVar (database versions not stated): gnomAD exomes below 0.00001 and 0.00001; ExAC 0.00001; gnomAD 0.00001; TOPMed 0.00001.
gnomAD v4.1: 10 of 1,612,162 alleles (0.00062%); highest among the groups gnomAD compares: Admixed American, 0.0033%; no homozygotes.

Submission:

GeneDx
Classification: Uncertain significance. Last evaluated: 2026-01-22. Review status: criteria provided, single submitter. Criteria: GeneDx Variant Classification Process June 2021. Collection method: clinical testing. Allele origin: germline. Affected: yes.
Comment: Not observed at significant frequency in large population cohorts (gnomAD); In silico analysis supports that this missense variant has a deleterious effect on protein structure/function; De novo with confirmed parentage in a patient with a developmental disorder in published literature (PMID: 35982159); This variant is associated with the following publications: (PMID: 35982159, 33057194)

NM_018896.5(CACNA1G):c.2558G>A (p.Arg853Gln)

Gene: CACNA1G (calcium voltage-gated channel subunit alpha1 G; plus strand). Cytogenetic location: 17q21.33.
Variant type: single nucleotide variant.
Coding change: c.2558G>A on transcript NM_018896.5 (MANE Select); coding-DNA position 2558, G replaced by A.
Protein change: p.Arg853Gln; replaces arginine 853 with glutamine.
Molecular consequence: missense variant. On other transcripts: non-coding transcript variant (5).
Genome position (GRCh38, 1-based): chr17:50,591,539, G>A. VCF-style: chr17-50591539-G-A. GRCh37 (hg19) VCF-style: chr17-48668900-G-A.
Other names: c.2558G>A, p.Arg853Gln (NM_001256324.2, NM_001256325.2, NM_001256326.2 and 24 more transcripts); short protein forms R853Q.
Identifiers: ClinVar variation 430371 (VCV000430371.5), dbSNP rs772685782, ClinGen allele CA8652451.
Genomic context (GRCh38, chr17:50,591,539, plus strand): 5'-TGCGGACCTTCCGCCTGATGCGTGTGCTGAAGCTGGTGCGCTTCCTGCCGGCGCTGCAGC[G>A]GCAGCTGGTGGTGCTCATGAAGACCATGGACAACGTGGCCACCTTCTGCATGCTGCTTAT-3'
Protein context (NP_061496.2, residues 843-863): KLVRFLPALQ[Arg853Gln]QLVVLMKTMD